The following is an entry in ClinVar:

ClinVar aggregate classification (germline): Conflicting classifications of pathogenicity. Review status: criteria provided, conflicting classifications (1 of 4 stars). 5 submissions from 5 submitters: Uncertain significance (1); Likely benign (3). 1 of the submissions does not count toward it. Last evaluated 2026-08-01.

Conditions:
BIN1-related disorder. Also called: BIN1-related condition.
Myopathy, centronuclear, 2 (CNM2). Also called: MYOTUBULAR MYOPATHY, AUTOSOMAL RECESSIVE. Identifiers: Orphanet 169186, MedGen CN031787, MONDO:0009709, OMIM 255200.

Allele frequency attached by ClinVar (database versions not stated): gnomAD 0.00018; TOPMed 0.00019; gnomAD exomes 0.00021 and 0.00038; ExAC 0.00005; ESP Exome Variant Server 0.00016.

Submissions (5):

CeGaT Center for Human Genetics Tuebingen
Classification: Likely benign. Last evaluated: 2026-08-01. Review status: criteria provided, single submitter. Criteria: CeGaT Center For Human Genetics Tuebingen Variant Classification Criteria Version 2. Collection method: clinical testing. Allele origin: germline. Affected: yes. Observed: 1 variant allele.
Comment: BIN1: BP4, BP7

Labcorp Genetics (formerly Invitae), Labcorp
Classification: Likely benign for Myopathy, centronuclear, 2. Last evaluated: 2026-01-11. Review status: criteria provided, single submitter. Criteria: Invitae Variant Classification Sherloc (09022015). Collection method: clinical testing. Allele origin: germline.

GeneDx
Classification: Likely benign. Last evaluated: 2019-11-05. Review status: criteria provided, single submitter. Criteria: GeneDx Variant Classification Process June 2021. Collection method: clinical testing. Allele origin: germline. Affected: yes.

Illumina Laboratory Services, Illumina
Classification: Uncertain significance for Myopathy, centronuclear, 2. Last evaluated: 2018-01-13. Review status: criteria provided, single submitter. Criteria: ICSL Variant Classification Criteria 13 December 2019. Collection method: clinical testing. Allele origin: germline.

PreventionGenetics, part of Exact Sciences
Classification: Likely benign for BIN1-related condition. Last evaluated: 2020-02-04. Review status: no assertion criteria provided. Collection method: clinical testing. Allele origin: germline. Not counted in ClinVar's aggregate classification.
Comment: This variant is classified as likely benign based on ACMG/AMP sequence variant interpretation guidelines (Richards et al. 2015 PMID: 25741868, with internal and published modifications).

NM_139343.3(BIN1):c.1143G>A (p.Pro381=)

Gene: BIN1 (bridging integrator 1; minus strand). Cytogenetic location: 2q14.3.
Variant type: single nucleotide variant.
Coding change: c.1143G>A on transcript NM_139343.3 (MANE Select); coding-DNA position 1143, G replaced by A.
Protein change: p.Pro381=; no amino-acid change (proline 381 retained).
Molecular consequence: synonymous variant. On other transcripts: intron variant (12).
Genome position (GRCh38, 1-based): chr2:127,054,001, C>T on the plus strand (G>A on the coding strand, the complement: BIN1 is on the minus strand). VCF-style: chr2-127054001-C-T. GRCh37 (hg19) VCF-style: chr2-127811577-C-T.
Other names: c.1050G>A, p.Pro350= (NM_001320641.2); c.1062G>A, p.Pro354= (NM_001320642.1); c.1014G>A, p.Pro338= (NM_139344.3); c.838-3089G>A (NM_001320634.1); c.910-3089G>A (NM_139351.3); c.910-2758G>A (NM_139350.3); c.910-1639G>A (NM_139349.3); c.1039-2758G>A (NM_139348.3); and 7 more.
Identifiers: ClinVar variation 331048 (VCV000331048.57), dbSNP rs372360787, ClinGen allele CA1857167.